The following is an entry in ClinVar:

ClinVar aggregate classification (germline): Likely benign. Review status: criteria provided, multiple submitters, no conflicts (2 of 4 stars). 4 submissions from 4 submitters: Likely benign (4). Last evaluated 2026-05-13.

Conditions:
Neurofibromatosis, type 1 (NF1). Also called: Peripheral type neurofibromatosis; Neurofibromatosis, type I; VON RECKLINGHAUSEN DISEASE; NEUROFIBROMATOSIS, TYPE I, SOMATIC. Identifiers: Orphanet 636, MedGen C0027831, MONDO:0018975, OMIM 162200. Disease mechanism: loss of function.
Neurofibromatosis-Noonan syndrome (NFNS). Also called: NEUROFIBROMATOSIS WITH NOONAN PHENOTYPE. Identifiers: Orphanet 638, MedGen C2931482, MONDO:0011035, OMIM 601321. Disease mechanism: loss of function.
Café-au-lait macules with pulmonary stenosis (WTSN). Also called: PULMONIC STENOSIS WITH CAFE-AU-LAIT SPOTS. Identifiers: MedGen C0553586, MONDO:0008672, OMIM 193520.
Neurofibromatosis, familial spinal (FSNF). Identifiers: Orphanet 636, MedGen C1834235, MONDO:0008078, OMIM 162210. Disease mechanism: loss of function.
Juvenile myelomonocytic leukemia (JMML). Also called: LEUKEMIA, JUVENILE MYELOMONOCYTIC, SOMATIC. Identifiers: Orphanet 86834, MedGen C0349639, MONDO:0011908, OMIM 607785, HP:0012209.

Allele frequency attached by ClinVar (database versions not stated): gnomAD exomes below 0.00001 and 0.00002; ExAC 0.00001; gnomAD 0.00001; TOPMed 0.00001.
gnomAD v4.1: 22 of 1,597,312 alleles (0.0014%); highest among the groups gnomAD compares: Non-Finnish European, 0.0017%; no homozygotes.

Submissions (4):

Myriad Genetics, Inc.
Classification: Likely benign for Neurofibromatosis, type 1. Last evaluated: 2026-05-13. Review status: criteria provided, single submitter. Criteria: Myriad Autosomal Dominant, Autosomal Recessive and X-Linked Classification Criteria (2023). Collection method: clinical testing. Allele origin: unknown.
Comment: This variant is considered likely benign. This variant is intronic and is not expected to impact mRNA splicing.

Labcorp Genetics (formerly Invitae), Labcorp
Classification: Likely benign for Neurofibromatosis, type 1. Last evaluated: 2026-01-06. Review status: criteria provided, single submitter. Criteria: Invitae Variant Classification Sherloc (09022015). Collection method: clinical testing. Allele origin: germline.

Blueprint Genetics
Classification: Likely benign. Last evaluated: 2024-05-27. Review status: criteria provided, single submitter. Criteria: ACMG Guidelines, 2015. Collection method: clinical testing. Allele origin: germline.

Fulgent Genetics
Classification: Likely benign for Neurofibromatosis, type 1; Neurofibromatosis, familial spinal; Café-au-lait macules with pulmonary stenosis; Neurofibromatosis-Noonan syndrome; Juvenile myelomonocytic leukemia. Last evaluated: 2021-08-30. Review status: criteria provided, single submitter. Criteria: ACMG Guidelines, 2015. Collection method: clinical testing. Allele origin: unknown.

NM_001042492.3(NF1):c.5269-19C>T

Gene: NF1 (neurofibromin 1; plus strand). Cytogenetic location: 17q11.2.
Variant type: single nucleotide variant.
Coding change: c.5269-19C>T on transcript NM_001042492.3 (MANE Select); 19 bases into the intron before coding-DNA position 5269, C replaced by T.
Molecular consequence: intron variant.
Genome position (GRCh38, 1-based): chr17:31,327,480, C>T. VCF-style: chr17-31327480-C-T. GRCh37 (hg19) VCF-style: chr17-29654498-C-T.
Other names: c.5206-19C>T (NM_000267.4).
Identifiers: ClinVar variation 1589679 (VCV001589679.11), dbSNP rs755620051, ClinGen allele CA8487167.